The following is an entry in ClinVar:

NM_020937.4(FANCM):c.3065T>C (p.Phe1022Ser)

Gene: FANCM (FA complementation group M; plus strand). Cytogenetic location: 14q21.2.
Variant type: single nucleotide variant.
Coding change: c.3065T>C on transcript NM_020937.4 (MANE Select); coding-DNA position 3065, T replaced by C.
Protein change: p.Phe1022Ser; replaces phenylalanine 1022 with serine.
Molecular consequence: missense variant.
Genome position (GRCh38, 1-based): chr14:45,175,819, T>C. VCF-style: chr14-45175819-T-C. GRCh37 (hg19) VCF-style: chr14-45645022-T-C.
Other names: c.2987T>C, p.Phe996Ser (NM_001308133.2); short protein forms F1022S, F996S.
Identifiers: ClinVar variation 1365861 (VCV001365861.8), dbSNP rs1263906591, ClinGen allele CA389599784.

ClinVar aggregate classification (germline): Uncertain significance (1 of 4 stars; one submission).

Conditions:
Fanconi anemia (FA). Also called: Fanconi's anemia. Identifiers: Orphanet 84, MedGen C0015625, MeSH D005199, MONDO:0019391.

Allele frequency attached by ClinVar (database versions not stated): gnomAD exomes below 0.00001 and 0.00001.
gnomAD v4.1: 6 of 1,613,960 alleles (0.00037%); highest among the groups gnomAD compares: South Asian, 0.0022%; no homozygotes.

Submission:

Labcorp Genetics (formerly Invitae), Labcorp
Classification: Uncertain significance for Fanconi anemia. Last evaluated: 2023-08-19. Review status: criteria provided, single submitter. Criteria: Invitae Variant Classification Sherloc (09022015). Collection method: clinical testing. Allele origin: germline.
Comment: In summary, the available evidence is currently insufficient to determine the role of this variant in disease. Therefore, it has been classified as a Variant of Uncertain Significance. Algorithms developed to predict the effect of missense changes on protein structure and function output the following: SIFT: "Not Available"; PolyPhen-2: "Benign"; Align-GVGD: "Not Available". The serine amino acid residue is found in multiple mammalian species, which suggests that this missense change does not adversely affect protein function. ClinVar contains an entry for this variant (Variation ID: 1365861). This variant has not been reported in the literature in individuals affected with FANCM-related conditions. This variant is present in population databases (no rsID available, gnomAD 0.003%). This sequence change replaces phenylalanine, which is neutral and non-polar, with serine, which is neutral and polar, at codon 1022 of the FANCM protein (p.Phe1022Ser).